The following is an entry in ClinVar:

NM_000038.6(APC):c.3391C>T (p.Gln1131Ter)

Gene: APC (APC regulator of Wnt signaling pathway; plus strand). Cytogenetic location: 5q22.2.
Variant type: single nucleotide variant.
Coding change: c.3391C>T on transcript NM_000038.6 (MANE Select); coding-DNA position 3391, C replaced by T.
Protein change: p.Gln1131Ter; replaces glutamine 1131 with a stop codon.
Molecular consequence: nonsense.
Genome position (GRCh38, 1-based): chr5:112,838,985, C>T. VCF-style: chr5-112838985-C-T. GRCh37 (hg19) VCF-style: chr5-112174682-C-T.
Other names: c.3391C>T, p.Gln1131Ter (NM_001127510.3, NM_001354895.2); c.3337C>T, p.Gln1113Ter (NM_001127511.3); c.3445C>T, p.Gln1149Ter (NM_001354896.2); c.3421C>T, p.Gln1141Ter (NM_001354897.2); c.3316C>T, p.Gln1106Ter (NM_001354898.2); c.3307C>T, p.Gln1103Ter (NM_001354899.2); c.3268C>T, p.Gln1090Ter (NM_001354900.2); c.3214C>T, p.Gln1072Ter (NM_001354901.2); and 5 more; short protein forms Q1113*, Q1131*, Q1005*, Q1030*, Q1106*, Q1141*, Q971*, Q1072*.
Identifiers: ClinVar variation 236590 (VCV000236590.13), dbSNP rs878853438, ClinGen allele CA10582307.

ClinVar aggregate classification (germline): Pathogenic. Review status: criteria provided, multiple submitters, no conflicts (2 of 4 stars). 4 submissions from 4 submitters: Pathogenic (4). Last evaluated 2024-10-21.

Conditions:
Hereditary cancer-predisposing syndrome. Also called: Hereditary neoplastic syndrome; Hereditary Cancer Syndrome; Neoplastic Syndromes, Hereditary; Tumor predisposition. Identifiers: Orphanet 140162, MedGen C0027672, MeSH D009386, MONDO:0015356.
Familial adenomatous polyposis 1 (FAP1). Also called: FAMILIAL ADENOMATOUS POLYPOSIS 1, ATTENUATED; POLYPOSIS, ADENOMATOUS INTESTINAL. Identifiers: MedGen C2713442, MONDO:0021056, OMIM 175100. Disease mechanism: loss of function.

Submissions (4):

Labcorp Genetics (formerly Invitae), Labcorp
Classification: Pathogenic for Familial adenomatous polyposis 1. Last evaluated: 2024-10-21. Review status: criteria provided, single submitter. Criteria: Invitae Variant Classification Sherloc (09022015). Collection method: clinical testing. Allele origin: germline.
Comment: This sequence change creates a premature translational stop signal (p.Gln1131*) in the APC gene. While this is not anticipated to result in nonsense mediated decay, it is expected to disrupt the last 1713 amino acid(s) of the APC protein. This variant is not present in population databases (gnomAD no frequency). This premature translational stop signal has been observed in individual(s) with familial adenomatous polyposis (PMID: 11960572, 20924072). ClinVar contains an entry for this variant (Variation ID: 236590). A different truncation (p.Tyr2645Lysfs*14) that lies downstream of this variant has been determined to be pathogenic (PMID: 9824584, 1316610, 27081525, 8381579, 22135120, internal data). This suggests that deletion of this region of the APC protein is causative of disease. This variant is expected to disrupt the EB1 and HDLG binding sites, which mediate interactions with the cytoskeleton (PMID: 15311282, 17293347). While functional studies have not been performed to directly test the effect on APC protein function, this suggests that disruption of the C-terminal portion of the protein is functionally important. For these reasons, this variant has been classified as Pathogenic.

Myriad Genetics, Inc.
Classification: Pathogenic for Familial adenomatous polyposis 1. Last evaluated: 2023-05-08. Review status: criteria provided, single submitter. Criteria: Myriad Autosomal Dominant, Autosomal Recessive and X-Linked Classification Criteria (2023). Collection method: clinical testing. Allele origin: unknown.
Comment: This variant is considered pathogenic. This variant creates a termination codon and is predicted to result in premature protein truncation.

Ambry Genetics
Classification: Pathogenic for Hereditary cancer-predisposing syndrome. Last evaluated: 2016-11-22. Review status: criteria provided, single submitter. Criteria: Ambry Variant Classification Scheme 2023. Collection method: clinical testing. Allele origin: germline.
Comment: The p.Q1131* pathogenic mutation (also known as c.3391C>T), located in coding exon 15 of the APC gene, results from a C to T substitution at nucleotide position 3391. This changes the amino acid from a glutamine to a stop codon within coding exon 15. This mutation has been reported in individuals with clinical diagnoses of familial adenomatous polyposis, including 1/136 Spanish individuals with classic disease (Wu G et al. Genet. Test. 2001;5:281-90; Rivera B et al. Ann. Oncol. 2011 Apr;22:903-9). In addition to the clinical data presented in the literature, this alteration is expected to result in loss of function by premature protein truncation. As such, this alteration is interpreted as a disease-causing mutation.

GeneDx
Classification: Pathogenic. Last evaluated: 2015-06-05. Review status: criteria provided, single submitter. Criteria: GeneDx Variant Classification (06012015). Collection method: clinical testing. Allele origin: germline. Affected: yes.
Comment: This pathogenic variant is denoted APC c.3391C>T at the cDNA level and p.Gln1131Ter (Q1131X) at the protein level. The substitution creates a nonsense variant, which changes a Glutamine to a premature stop codon (CAA>TAA), and is predicted to cause loss of normal protein function through protein truncation. This variant has been reported in association with Familial Adenomatous Polyposis (Wu 2001, Rivera 2011) and is considered pathogenic.The presence of

Literature cited by the submitters: PubMed 11960572 (cited by Labcorp Genetics (formerly Invitae), Labcorp and Ambry Genetics); PubMed 20924072 (cited by Labcorp Genetics (formerly Invitae), Labcorp and Ambry Genetics); PubMed 9824584 (cited by Labcorp Genetics (formerly Invitae), Labcorp); PubMed 1316610 (cited by Labcorp Genetics (formerly Invitae), Labcorp); PubMed 27081525 (cited by Labcorp Genetics (formerly Invitae), Labcorp); PubMed 8381579 (cited by Labcorp Genetics (formerly Invitae), Labcorp); PubMed 22135120 (cited by Labcorp Genetics (formerly Invitae), Labcorp); PubMed 15311282 (cited by Labcorp Genetics (formerly Invitae), Labcorp); PubMed 17293347 (cited by Labcorp Genetics (formerly Invitae), Labcorp).